The following is an entry in ClinVar:

NM_006904.7(PRKDC):c.1844C>A (p.Ala615Asp)

Gene: PRKDC (protein kinase, DNA-activated, catalytic subunit; minus strand). Cytogenetic location: 8q11.21.
Variant type: single nucleotide variant.
Coding change: c.1844C>A on transcript NM_006904.7 (MANE Select); coding-DNA position 1844, C replaced by A.
Protein change: p.Ala615Asp; replaces alanine 615 with aspartic acid.
Molecular consequence: missense variant.
Genome position (GRCh38, 1-based): chr8:47,930,720, G>T on the plus strand (C>A on the coding strand, the complement: PRKDC is on the minus strand). VCF-style: chr8-47930720-G-T. GRCh37 (hg19) VCF-style: chr8-48843280-G-T.
Other names: c.1844C>A, p.Ala615Asp (NM_001081640.2); short protein forms A615D.
Identifiers: ClinVar variation 1781209 (VCV001781209.2), dbSNP rs2551878769, ClinGen allele CA371164727.

ClinVar aggregate classification (germline): Uncertain significance (1 of 4 stars; one submission).

Allele frequency attached by ClinVar (database versions not stated): gnomAD exomes below 0.00001.
gnomAD v4.1: 1 of 1,590,822 alleles (0.000063%); highest among the groups gnomAD compares: African/African-American, 0.0013%; no homozygotes.

Submission:

Ambry Genetics
Classification: Uncertain significance. Last evaluated: 2021-06-30. Review status: criteria provided, single submitter. Criteria: Ambry Variant Classification Scheme 2023. Collection method: clinical testing. Allele origin: germline.
Comment: The p.A615D variant (also known as c.1844C>A), located in coding exon 17 of the PRKDC gene, results from a C to A substitution at nucleotide position 1844. The alanine at codon 615 is replaced by aspartic acid, an amino acid with dissimilar properties. This amino acid position is conserved. In addition, this alteration is predicted to be tolerated by in silico analysis. Since supporting evidence is limited at this time, the clinical significance of this alteration remains unclear.